The following is an entry in ClinVar:

ClinVar aggregate classification (germline): Uncertain significance (0 of 4 stars; one submission).

Conditions:
AIRE-related disorder. Also called: AIRE-related condition.

Submission:

PreventionGenetics, part of Exact Sciences
Classification: Uncertain significance for AIRE-related condition. Last evaluated: 2024-08-06. Review status: no assertion criteria provided. Collection method: clinical testing. Allele origin: germline.
Comment: The AIRE c.1001C>T variant is predicted to result in the amino acid substitution p.Thr334Ile. To our knowledge, this variant has not been reported in the literature or in a large population database, indicating this variant is rare. At this time, the clinical significance of this variant is uncertain due to the absence of conclusive functional and genetic evidence.

NM_000383.4(AIRE):c.1001C>T (p.Thr334Ile)

Gene: AIRE (autoimmune regulator; plus strand). Cytogenetic location: 21q22.3.
Variant type: single nucleotide variant.
Coding change: c.1001C>T on transcript NM_000383.4 (MANE Select); coding-DNA position 1001, C replaced by T.
Protein change: p.Thr334Ile; replaces threonine 334 with isoleucine.
Molecular consequence: missense variant.
Genome position (GRCh38, 1-based): chr21:44,292,307, C>T. VCF-style: chr21-44292307-C-T. GRCh37 (hg19) VCF-style: chr21-45712190-C-T.
Other names: short protein forms T334I.
Identifiers: ClinVar variation 3344619 (VCV003344619.1).